The following is an entry in ClinVar:

ClinVar aggregate classification (germline): Uncertain significance (1 of 4 stars; one submission).

Conditions:
Cardiovascular phenotype. Identifiers: MedGen CN230736.

gnomAD v4.1: 4 of 1,613,100 alleles (0.00025%); highest among the groups gnomAD compares: East Asian, 0.0022%; no homozygotes.

Submission:

Ambry Genetics
Classification: Uncertain significance for Cardiovascular phenotype. Last evaluated: 2024-05-11. Review status: criteria provided, single submitter. Criteria: Ambry Variant Classification Scheme 2023. Collection method: clinical testing. Allele origin: germline.
Comment: The p.V203L variant (also known as c.607G>T), located in coding exon 5 of the SCN4B gene, results from a G to T substitution at nucleotide position 607. The valine at codon 203 is replaced by leucine, an amino acid with highly similar properties. This amino acid position is conserved. In addition, the in silico prediction for this alteration is inconclusive. Based on the available evidence, the clinical significance of this variant remains unclear.

NM_174934.4(SCN4B):c.607G>T (p.Val203Leu)

Gene: SCN4B (sodium voltage-gated channel beta subunit 4; minus strand). Cytogenetic location: 11q23.3.
Variant type: single nucleotide variant.
Coding change: c.607G>T on transcript NM_174934.4 (MANE Select); coding-DNA position 607, G replaced by T.
Protein change: p.Val203Leu; replaces valine 203 with leucine.
Molecular consequence: missense variant. On other transcripts: non-coding transcript variant (1).
Genome position (GRCh38, 1-based): chr11:118,137,107, C>A on the plus strand (G>T on the coding strand, the complement: SCN4B is on the minus strand). VCF-style: chr11-118137107-C-A. GRCh37 (hg19) VCF-style: chr11-118007822-C-A.
Other names: c.205G>T, p.Val69Leu (NM_001142348.2); c.277G>T, p.Val93Leu (NM_001142349.2); short protein forms V69L, V203L, V93L.
Identifiers: ClinVar variation 3316582 (VCV003316582.1).